The following is an entry in ClinVar:

NM_001458.5(FLNC):c.3956A>G (p.Tyr1319Cys)

Gene: FLNC (filamin C; plus strand). Cytogenetic location: 7q32.1.
Variant type: single nucleotide variant.
Coding change: c.3956A>G on transcript NM_001458.5 (MANE Select); coding-DNA position 3956, A replaced by G.
Protein change: p.Tyr1319Cys; replaces tyrosine 1319 with cysteine.
Molecular consequence: missense variant.
Genome position (GRCh38, 1-based): chr7:128,846,155, A>G. VCF-style: chr7-128846155-A-G. GRCh37 (hg19) VCF-style: chr7-128486209-A-G.
Other names: c.3956A>G, p.Tyr1319Cys (NM_001127487.2); short protein forms Y1319C.
Identifiers: ClinVar variation 1043611 (VCV001043611.11), dbSNP rs1808556919, ClinGen allele CA369198805.

ClinVar aggregate classification (germline): Uncertain significance (1 of 4 stars; one submission).

Conditions:
Myofibrillar myopathy 5. Also called: FILAMINOPATHY, AUTOSOMAL DOMINANT; Filaminopathy (type). Identifiers: Orphanet 171445, MedGen C1836050, MONDO:0012289, OMIM 609524.
Distal myopathy with posterior leg and anterior hand involvement. Also called: WILLIAMS DISTAL MYOPATHY. Identifiers: Orphanet 63273, MedGen C3279722, MONDO:0013550, OMIM 614065.
Hypertrophic cardiomyopathy 26. Also called: Cardiomyopathy, familial hypertrophic, 26. Identifiers: Orphanet 75249, MedGen C4310749, MONDO:0014883, OMIM 617047.

Allele frequency attached by ClinVar (database versions not stated): gnomAD 0.00001.
gnomAD v4.1: 1 of 1,613,084 alleles (0.000062%); highest among the groups gnomAD compares: Admixed American, 0.0017%; no homozygotes.

Submission:

Labcorp Genetics (formerly Invitae), Labcorp
Classification: Uncertain significance for Distal myopathy with posterior leg and anterior hand involvement; Myofibrillar myopathy 5; Hypertrophic cardiomyopathy 26. Last evaluated: 2025-06-04. Review status: criteria provided, single submitter. Criteria: Invitae Variant Classification Sherloc (09022015). Collection method: clinical testing. Allele origin: germline.
Comment: This sequence change replaces tyrosine, which is neutral and polar, with cysteine, which is neutral and slightly polar, at codon 1319 of the FLNC protein (p.Tyr1319Cys). This variant is not present in population databases (gnomAD no frequency). This variant has not been reported in the literature in individuals affected with FLNC-related conditions. ClinVar contains an entry for this variant (Variation ID: 1043611). Invitae Evidence Modeling of protein sequence and biophysical properties (such as structural, functional, and spatial information, amino acid conservation, physicochemical variation, residue mobility, and thermodynamic stability) has been performed for this missense variant. However, the output from this modeling did not meet the statistical confidence thresholds required to predict the impact of this variant on FLNC protein function. In summary, the available evidence is currently insufficient to determine the role of this variant in disease. Therefore, it has been classified as a Variant of Uncertain Significance.